The following is an entry in ClinVar:

ClinVar aggregate classification (germline): Uncertain significance. Review status: criteria provided, multiple submitters, no conflicts (2 of 4 stars). 2 submissions from 2 submitters: Uncertain significance (2). Last evaluated 2023-01-23.

Conditions:
Hereditary diffuse gastric adenocarcinoma (HDGC). Also called: DIFFUSE GASTRIC AND LOBULAR BREAST CANCER SYNDROME. Identifiers: Orphanet 26106, MedGen C1708349, MONDO:0007648, OMIM 137215.
Hereditary cancer-predisposing syndrome. Also called: Hereditary Cancer Syndrome; Neoplastic Syndromes, Hereditary; Hereditary neoplastic syndrome; Tumor predisposition. Identifiers: Orphanet 140162, MedGen C0027672, MeSH D009386, MONDO:0015356.

Submissions (2):

Ambry Genetics
Classification: Uncertain significance for Hereditary cancer-predisposing syndrome. Last evaluated: 2023-01-23. Review status: criteria provided, single submitter. Criteria: Ambry Variant Classification Scheme 2023. Collection method: clinical testing. Allele origin: germline.
Comment: The p.Y859H variant (also known as c.2575T>C), located in coding exon 16 of the CDH1 gene, results from a T to C substitution at nucleotide position 2575. The tyrosine at codon 859 is replaced by histidine, an amino acid with similar properties. This amino acid position is highly conserved in available vertebrate species. In addition, this alteration is predicted to be deleterious by in silico analysis. Since supporting evidence is limited at this time, the clinical significance of this alteration remains unclear.

Labcorp Genetics (formerly Invitae), Labcorp
Classification: Uncertain significance for Hereditary diffuse gastric adenocarcinoma. Last evaluated: 2022-03-31. Review status: criteria provided, single submitter. Criteria: Invitae Variant Classification Sherloc (09022015). Collection method: clinical testing. Allele origin: germline.
Comment: ClinVar contains an entry for this variant (Variation ID: 821509). In summary, the available evidence is currently insufficient to determine the role of this variant in disease. Therefore, it has been classified as a Variant of Uncertain Significance. Algorithms developed to predict the effect of missense changes on protein structure and function are either unavailable or do not agree on the potential impact of this missense change (SIFT: "Deleterious"; PolyPhen-2: "Probably Damaging"; Align-GVGD: "Class C0"). This variant has not been reported in the literature in individuals affected with CDH1-related conditions. This variant is not present in population databases (gnomAD no frequency). This sequence change replaces tyrosine, which is neutral and polar, with histidine, which is basic and polar, at codon 859 of the CDH1 protein (p.Tyr859His).

NM_004360.5(CDH1):c.2575T>C (p.Tyr859His)

Gene: CDH1 (cadherin 1; plus strand). Cytogenetic location: 16q22.1.
Variant type: single nucleotide variant.
Coding change: c.2575T>C on transcript NM_004360.5 (MANE Select); coding-DNA position 2575, T replaced by C.
Protein change: p.Tyr859His; replaces tyrosine 859 with histidine.
Molecular consequence: missense variant.
Genome position (GRCh38, 1-based): chr16:68,833,425, T>C. VCF-style: chr16-68833425-T-C. GRCh37 (hg19) VCF-style: chr16-68867328-T-C.
Other names: c.2392T>C, p.Tyr798His (NM_001317184.2); c.1027T>C, p.Tyr343His (NM_001317185.2); c.610T>C, p.Tyr204His (NM_001317186.2); short protein forms Y204H, Y343H, Y798H, Y859H.
Identifiers: ClinVar variation 821509 (VCV000821509.9), dbSNP rs1596976564, ClinGen allele CA396472529.